The following is an entry in ClinVar:

NM_000051.4(ATM):c.9050T>C (p.Leu3017Pro)

Genes: ATM (ATM serine/threonine kinase; plus strand), C11orf65 (chromosome 11 open reading frame 65; minus strand). Cytogenetic location: 11q22.3.
Variant type: single nucleotide variant.
Coding change: c.9050T>C on transcript NM_000051.4 (MANE Select); coding-DNA position 9050, T replaced by C.
Protein change: p.Leu3017Pro; replaces leucine 3017 with proline.
Molecular consequence: missense variant. On other transcripts: intron variant (2).
Genome position (GRCh38, 1-based): chr11:108,365,387, T>C. VCF-style: chr11-108365387-T-C. GRCh37 (hg19) VCF-style: chr11-108236114-T-C.
Other names: c.9050T>C, p.Leu3017Pro (NM_001351834.2); c.640+20533A>G (NM_001330368.2); c.694+20533A>G (NM_001351110.2); short protein forms L3017P.
Identifiers: ClinVar variation 188328 (VCV000188328.17), dbSNP rs786204218, ClinGen allele CA334624.

ClinVar aggregate classification (germline): Uncertain significance. Review status: criteria provided, multiple submitters, no conflicts (2 of 4 stars). 4 submissions from 4 submitters: Uncertain significance (4). Last evaluated 2025-09-25.

Conditions:
Hereditary cancer-predisposing syndrome. Also called: Hereditary Cancer Syndrome; Tumor predisposition; Neoplastic Syndromes, Hereditary; Hereditary neoplastic syndrome. Identifiers: Orphanet 140162, MedGen C0027672, MeSH D009386, MONDO:0015356.
Ataxia-telangiectasia syndrome (AT). Also called: ATAXIA-TELANGIECTASIA, COMPLEMENTATION GROUP A; ATAXIA-TELANGIECTASIA, FRESNO VARIANT; Ataxia-telangiectasia; Ataxia-telangiectasia, complementation group E; Cerebello-oculocutaneous telangiectasia; Immunodeficiency with ataxia telangiectasia. Identifiers: Orphanet 100, MedGen C0004135, MONDO:0008840, OMIM 208900.

Allele frequency attached by ClinVar (database versions not stated): TOPMed below 0.00001; gnomAD 0.00003.

Submissions (4):

Labcorp Genetics (formerly Invitae), Labcorp
Classification: Uncertain significance for Ataxia-telangiectasia syndrome. Last evaluated: 2025-09-25. Review status: criteria provided, single submitter. Criteria: Invitae Variant Classification Sherloc (09022015). Collection method: clinical testing. Allele origin: germline.
Comment: This sequence change replaces leucine, which is neutral and non-polar, with proline, which is neutral and non-polar, at codon 3017 of the ATM protein (p.Leu3017Pro). This variant is present in population databases (rs786204218, gnomAD 0.007%). This variant has not been reported in the literature in individuals affected with ATM-related conditions. ClinVar contains an entry for this variant (Variation ID: 188328). Invitae Evidence Modeling of protein sequence and biophysical properties (such as structural, functional, and spatial information, amino acid conservation, physicochemical variation, residue mobility, and thermodynamic stability) has been performed for this missense variant. However, the output from this modeling did not meet the statistical confidence thresholds required to predict the impact of this variant on ATM protein function. In summary, the available evidence is currently insufficient to determine the role of this variant in disease. Therefore, it has been classified as a Variant of Uncertain Significance.

Ambry Genetics
Classification: Uncertain significance for Hereditary cancer-predisposing syndrome. Last evaluated: 2024-04-27. Review status: criteria provided, single submitter. Criteria: Ambry Variant Classification Scheme 2023. Collection method: clinical testing. Allele origin: germline.
Comment: The p.L3017P variant (also known as c.9050T>C), located in coding exon 62 of the ATM gene, results from a T to C substitution at nucleotide position 9050. The leucine at codon 3017 is replaced by proline, an amino acid with similar properties. This amino acid position is highly conserved in available vertebrate species. In addition, the in silico prediction for this alteration is inconclusive. Since supporting evidence is limited at this time, the clinical significance of this alteration remains unclear.

GeneDx
Classification: Uncertain significance. Last evaluated: 2023-12-22. Review status: criteria provided, single submitter. Criteria: GeneDx Variant Classification Process June 2021. Collection method: clinical testing. Allele origin: germline. Affected: yes.
Comment: Not observed at significant frequency in large population cohorts (gnomAD); In silico analysis supports that this missense variant has a deleterious effect on protein structure/function; Has not been previously published as pathogenic or benign to our knowledge; This variant is associated with the following publications: (PMID: 23532176)

Color Diagnostics, LLC DBA Color Health
Classification: Uncertain significance for Hereditary cancer-predisposing syndrome. Last evaluated: 2019-04-10. Review status: criteria provided, single submitter. Criteria: ACMG Guidelines, 2015. Collection method: clinical testing. Allele origin: germline.